The following is an entry in ClinVar:

NM_017780.4(CHD7):c.5365G>A (p.Glu1789Lys)

Gene: CHD7 (chromodomain helicase DNA binding protein 7; plus strand). Cytogenetic location: 8q12.2.
Variant type: single nucleotide variant.
Coding change: c.5365G>A on transcript NM_017780.4 (MANE Select); coding-DNA position 5365, G replaced by A.
Protein change: p.Glu1789Lys; replaces glutamic acid 1789 with lysine.
Molecular consequence: missense variant. On other transcripts: intron variant (1).
Genome position (GRCh38, 1-based): chr8:60,849,115, G>A. VCF-style: chr8-60849115-G-A. GRCh37 (hg19) VCF-style: chr8-61761674-G-A.
Other names: c.5365G>A (NM_017780.3); c.1717-13114G>A (NM_001316690.1); short protein forms E1789K.
Identifiers: ClinVar variation 3711395 (VCV003711395.3).

ClinVar aggregate classification (germline): Uncertain significance. Review status: criteria provided, multiple submitters, no conflicts (2 of 4 stars). 2 submissions from 2 submitters: Uncertain significance (2). Last evaluated 2025-11-06.

Conditions:
CHD7-related disorder. Also called: CHD7-related condition.
CHARGE syndrome (CHARGE). Also called: Hittner Hirsch Kreh syndrome; CHARGE ASSOCIATION--COLOBOMA, HEART ANOMALY, CHOANAL ATRESIA, RETARDATION, GENITAL AND EAR ANOMALIES; Coloboma, heart anomaly, choanal atresia, retardation, genital and ear anomalies; CHARGE association; Hall-Hittner syndrome. Identifiers: Orphanet 138, MedGen C0265354, MONDO:0008965.

Submissions (2):

PreventionGenetics, part of Exact Sciences
Classification: Uncertain significance for CHD7-related condition. Last evaluated: 2025-11-06. Review status: criteria provided, single submitter. Criteria: ACMG Guidelines, 2015. Collection method: clinical testing. Allele origin: germline.
Comment: The CHD7 c.5365G>A variant is predicted to result in the amino acid substitution p.Glu1789Lys. To our knowledge, this variant has not been reported in the literature or in a large population database (gnomAD), indicating this variant is rare. At this time, the clinical significance of this variant is uncertain due to the absence of conclusive functional and genetic evidence.

Labcorp Genetics (formerly Invitae), Labcorp
Classification: Uncertain significance for CHARGE syndrome. Last evaluated: 2024-02-08. Review status: criteria provided, single submitter. Criteria: Invitae Variant Classification Sherloc (09022015). Collection method: clinical testing. Allele origin: germline.
Comment: This sequence change replaces glutamic acid, which is acidic and polar, with lysine, which is basic and polar, at codon 1789 of the CHD7 protein (p.Glu1789Lys). This variant is not present in population databases (gnomAD no frequency). This variant has not been reported in the literature in individuals affected with CHD7-related conditions. Advanced modeling of protein sequence and biophysical properties (such as structural, functional, and spatial information, amino acid conservation, physicochemical variation, residue mobility, and thermodynamic stability) has been performed at Invitae for this missense variant, however the output from this modeling did not meet the statistical confidence thresholds required to predict the impact of this variant on CHD7 protein function. In summary, the available evidence is currently insufficient to determine the role of this variant in disease. Therefore, it has been classified as a Variant of Uncertain Significance.